The following is an entry in ClinVar:

NM_001377.3(DYNC2H1):c.2235G>A (p.Trp745Ter)

Gene: DYNC2H1 (dynein cytoplasmic 2 heavy chain 1; plus strand). Cytogenetic location: 11q22.3.
Variant type: single nucleotide variant.
Coding change: c.2235G>A on transcript NM_001377.3 (MANE Select); coding-DNA position 2235, G replaced by A.
Protein change: p.Trp745Ter; replaces tryptophan 745 with a stop codon.
Molecular consequence: nonsense.
Genome position (GRCh38, 1-based): chr11:103,135,524, G>A. VCF-style: chr11-103135524-G-A. GRCh37 (hg19) VCF-style: chr11-103006253-G-A.
Other names: c.2235G>A, p.Trp745Ter (NM_001080463.2); short protein forms W745*.
Identifiers: ClinVar variation 574328 (VCV000574328.12), dbSNP rs1309577378, ClinGen allele CA382259160.
Genomic context (GRCh38, chr11:103,135,524, plus strand): 5'-TTAAATTAAAAATGTGAATGTAACATATTAGGGATTCCAAGCAAGTGACATGCATGCATG[G>A]AAACAACACTGGAATCATCAACTGTACAAAGCTCTGGAGCATCAGTACCAGATGGGCTTA-3'

ClinVar aggregate classification (germline): Pathogenic/Likely pathogenic. Review status: criteria provided, multiple submitters, no conflicts (2 of 4 stars). 4 submissions from 4 submitters: Pathogenic (3); Likely pathogenic (1). Last evaluated 2026-09-23.

Conditions:
Jeune thoracic dystrophy. Also called: Short-rib thoracic dysplasia; Jeune syndrome; Infantile thoracic dystrophy; Thoracic pelvic phalangeal dystrophy; Jeune's syndrome; Chondroectodermal dysplasia-like syndrome. Identifiers: Orphanet 474, MedGen C0265275, MONDO:0018770.
DYNC2H1-related disorder. Also called: DYNC2H1-related disorders; DYNC2H1-related condition. Identifiers: MedGen CN378770.
Asphyxiating thoracic dystrophy 3. Also called: Saldino-Noonan Syndrome; SHORT-RIB THORACIC DYSPLASIA 3 WITH OR WITHOUT POLYDACTYLY; POLYDACTYLY WITH NEONATAL CHONDRODYSTROPHY, TYPE I; SHORT-RIB THORACIC DYSPLASIA 3/6 WITH POLYDACTYLY, DIGENIC; Short rib polydactyly syndrome 2B. Identifiers: Orphanet 474, Orphanet 93269, Orphanet 93270, Orphanet 93271, MedGen C0036069, MONDO:0013127, OMIM 613091.

Allele frequency attached by ClinVar (database versions not stated): gnomAD 0.00001; TOPMed 0.00002; gnomAD exomes 0.00001.
gnomAD v4.1: 19 of 1,585,814 alleles (0.0012%); highest among the groups gnomAD compares: Non-Finnish European, 0.0015%; no homozygotes.

Submissions (4):

GeneDx
Classification: Pathogenic. Last evaluated: 2026-09-23. Review status: criteria provided, single submitter. Criteria: GeneDx Variant Classification Process June 2021. Collection method: clinical testing. Allele origin: germline.
Comment: Nonsense variant predicted to result in protein truncation or nonsense mediated decay in a gene for which loss of function is a known mechanism of disease; Not observed at significant frequency in large population cohorts (gnomAD); Has not been previously published as pathogenic or benign to our knowledge

Myriad Genetics, Inc.
Classification: Pathogenic for Asphyxiating thoracic dystrophy 3. Last evaluated: 2024-05-23. Review status: criteria provided, single submitter. Criteria: Myriad Autosomal Dominant, Autosomal Recessive and X-Linked Classification Criteria (2023). Collection method: clinical testing. Allele origin: unknown.
Comment: NM_001377.2(DYNC2H1):c.2235G>A(W745*) is expected to be pathogenic in the context of DYNC2H1-related disorders. This variant is predicted to lead to an abnormal or absent protein product due to the creation of a premature termination codon in DYNC2H1, a gene where loss-of-function variants are known to be pathogenic. Please note: this variant was assessed in the context of healthy population screening.

Blueprint Genetics
Classification: Likely pathogenic for DYNC2H1-related disorders. Last evaluated: 2023-07-04. Review status: criteria provided, single submitter. Criteria: ACMG Guidelines, 2015. Collection method: clinical testing. Allele origin: germline. Affected: yes. Observed: 3 variant alleles.

Labcorp Genetics (formerly Invitae), Labcorp
Classification: Pathogenic for Jeune thoracic dystrophy. Last evaluated: 2023-05-19. Review status: criteria provided, single submitter. Criteria: Invitae Variant Classification Sherloc (09022015). Collection method: clinical testing. Allele origin: germline.
Comment: This sequence change creates a premature translational stop signal (p.Trp745*) in the DYNC2H1 gene. It is expected to result in an absent or disrupted protein product. Loss-of-function variants in DYNC2H1 are known to be pathogenic (PMID: 23339108, 32753734). This variant is not present in population databases (gnomAD no frequency). This variant has not been reported in the literature in individuals affected with DYNC2H1-related conditions. ClinVar contains an entry for this variant (Variation ID: 574328). For these reasons, this variant has been classified as Pathogenic.

Literature cited by the submitters: PubMed 23339108 (cited by Labcorp Genetics (formerly Invitae), Labcorp); PubMed 32753734 (cited by Labcorp Genetics (formerly Invitae), Labcorp).